The following is an entry in ClinVar:

NM_000257.4(MYH7):c.2225C>A (p.Ala742Glu)

Gene: MYH7 (myosin heavy chain 7; minus strand). Cytogenetic location: 14q11.2.
Variant type: single nucleotide variant.
Coding change: c.2225C>A on transcript NM_000257.4 (MANE Select); coding-DNA position 2225, C replaced by A.
Protein change: p.Ala742Glu; replaces alanine 742 with glutamic acid.
Molecular consequence: missense variant.
Genome position (GRCh38, 1-based): chr14:23,425,756, G>T on the plus strand (C>A on the coding strand, the complement: MYH7 is on the minus strand). VCF-style: chr14-23425756-G-T. GRCh37 (hg19) VCF-style: chr14-23894965-G-T.
Other names: c.2225C>A (LRG_384t1); short protein forms A742E.
Identifiers: ClinVar variation 192310 (VCV000192310.2), dbSNP rs786205907, ClinGen allele CA012029.

ClinVar aggregate classification (germline): Uncertain significance (1 of 4 stars; one submission).

Conditions:
Hypertrophic cardiomyopathy 1 (CMH1). Also called: MYH7-Related Familial Hypertrophic Cardiomyopathy; Familial hypertrophic cardiomyopathy 1. Identifiers: MedGen C3495498, MONDO:0008647, OMIM 192600.

Submission:

Agnes Ginges Centre for Molecular Cardiology, Centenary Institute
Classification: Uncertain significance for Familial hypertrophic cardiomyopathy 1. Last evaluated: 2015-03-20. Review status: criteria provided, single submitter. Criteria: Agnes Ginges Centre for Molecular Cardiology criteria (2015). Collection method: research. Allele origin: germline. Inheritance: Autosomal dominant inheritance. Affected: yes.
Comment: To our knowledge, this MYH7 Ala742Glu variant is a novel finding (Ingles J, et al., 2005). This variant was identified in a family with familial HCM. Both affected individuals were diagnosed at a young age and have severe clinical phenotype requiring ICD implantation, surgical myectomy, and heart transplantation (index case). The MYH7 Ala742Glu variant is absent in both the 1000 genomes project, and the Exome Aggregation Consortium dataset. Furthermore, there are no variants in the databases which result in an amino acid substitution at this 742 position. In silico models are inconsistent with SIFT and MutationTaster both predicting the change to be "deleterious" and "disease-causing" while PolyPhen2 predicts the change to be "benign" (note: no prediction is called by PolyPhen-HCM). The rarity of this variant in a known HCM causing gene, and the severe phenotype observed in both clinically and genetically affected individuals support pathogenicity. However, stronger segregation data and/or other functional evidence is required to fully establish its role in disease. Thus, we classify this MYH7 Ala742Glu variant as one of "uncertain significance".

Literature cited by the submitters: PubMed 16199542.